The following is an entry in ClinVar:

ClinVar aggregate classification (germline): Likely benign (1 of 4 stars; one submission).

gnomAD v4.1: 28 of 1,613,812 alleles (0.0017%); highest among the groups gnomAD compares: Middle Eastern, 0.016%; no homozygotes.

Submission:

CeGaT Center for Human Genetics Tuebingen
Classification: Likely benign. Last evaluated: 2024-06-01. Review status: criteria provided, single submitter. Criteria: CeGaT Center For Human Genetics Tuebingen Variant Classification Criteria Version 2. Collection method: clinical testing. Allele origin: germline. Affected: yes. Observed: 1 variant allele.
Comment: EDAR: BP4, BP7

NM_022336.4(EDAR):c.42C>T (p.Pro14=)

Genes: EDAR (ectodysplasin A receptor; minus strand), RANBP2 (RAN binding protein 2; plus strand). Cytogenetic location: 2q13.
Variant type: single nucleotide variant.
Coding change: c.42C>T on transcript NM_022336.4 (MANE Select); coding-DNA position 42, C replaced by T.
Protein change: p.Pro14=; no amino-acid change (proline 14 retained).
Molecular consequence: synonymous variant.
Genome position (GRCh38, 1-based): chr2:108,930,973, G>A on the plus strand (C>T on the coding strand, the complement: EDAR is on the minus strand). VCF-style: chr2-108930973-G-A. GRCh37 (hg19) VCF-style: chr2-109547429-G-A.
Identifiers: ClinVar variation 3250747 (VCV003250747.18), dbSNP rs754448928.